The following is an entry in ClinVar:

NM_000053.4(ATP7B):c.195G>A (p.Leu65=)

Gene: ATP7B (ATPase copper transporting beta; minus strand). Cytogenetic location: 13q14.3.
Variant type: single nucleotide variant.
Coding change: c.195G>A on transcript NM_000053.4 (MANE Select); coding-DNA position 195, G replaced by A.
Protein change: p.Leu65=; no amino-acid change (leucine 65 retained).
Molecular consequence: synonymous variant.
Genome position (GRCh38, 1-based): chr13:51,975,025, C>T on the plus strand (G>A on the coding strand, the complement: ATP7B is on the minus strand). VCF-style: chr13-51975025-C-T. GRCh37 (hg19) VCF-style: chr13-52549161-C-T.
Other names: c.195G>A, p.Leu65= (NM_001243182.2, NM_001330578.2, NM_001330579.2 and 30 more transcripts); c.99G>A, p.Leu33= (NM_001406517.1, NM_001406518.1, NM_001406530.1 and 4 more transcripts).
Identifiers: ClinVar variation 3385873 (VCV003385873.1).

ClinVar aggregate classification (germline): Likely benign (1 of 4 stars; one submission).

Conditions:
Wilson disease (WND). Also called: Wilson's disease. Identifiers: Orphanet 905, MedGen C0019202, MONDO:0010200, OMIM 277900. Disease mechanism: loss of function.

Submission:

All of Us Research Program, National Institutes of Health
Classification: Likely benign for Wilson disease. Last evaluated: 2024-04-16. Review status: criteria provided, single submitter. Criteria: ACMG Guidelines, 2015. Collection method: clinical testing. Allele origin: germline. Inheritance: Autosomal recessive inheritance. Observed: 1 variant allele, 1 heterozygote.
Comment: This study involves interpretation of variants in research participants for the purpose of population health screening. Participant phenotype was not available at the time of variant classification. Additional details can be found in publication PMID: 35346344, PMCID: PMC8962531